The following is an entry in ClinVar:

NM_007194.4(CHEK2):c.1377T>C (p.Ala459=)

Gene: CHEK2 (checkpoint kinase 2; minus strand). Cytogenetic location: 22q12.1.
Variant type: single nucleotide variant.
Coding change: c.1377T>C on transcript NM_007194.4 (MANE Select); coding-DNA position 1377, T replaced by C.
Protein change: p.Ala459=; no amino-acid change (alanine 459 retained).
Molecular consequence: synonymous variant.
Genome position (GRCh38, 1-based): chr22:28,694,116, A>G on the plus strand (T>C on the coding strand, the complement: CHEK2 is on the minus strand). VCF-style: chr22-28694116-A-G. GRCh37 (hg19) VCF-style: chr22-29090104-A-G.
Other names: c.1506T>C, p.Ala502= (NM_001005735.3); c.714T>C, p.Ala238= (NM_001257387.3); c.1176T>C, p.Ala392= (NM_001349956.3); c.1290T>C, p.Ala430= (NM_145862.3).
Identifiers: ClinVar variation 491598 (VCV000491598.16), dbSNP rs786201296, ClinGen allele CA513944789.

ClinVar aggregate classification (germline): Benign/Likely benign. Review status: criteria provided, multiple submitters, no conflicts (2 of 4 stars). 4 submissions from 4 submitters: Benign (1); Likely benign (3). Last evaluated 2024-10-08.

Conditions:
Hereditary cancer-predisposing syndrome. Also called: Hereditary neoplastic syndrome; Tumor predisposition; Hereditary Cancer Syndrome; Neoplastic Syndromes, Hereditary. Identifiers: Orphanet 140162, MedGen C0027672, MeSH D009386, MONDO:0015356.
Familial cancer of breast. Also called: Hereditary breast cancer; hereditary breast carcinoma; BREAST CANCER, FAMILIAL. Identifiers: Orphanet 227535, MedGen C0346153, MONDO:0016419, OMIM 114480. Disease mechanism: loss of function.

Submissions (4):

Myriad Genetics, Inc.
Classification: Benign for Familial cancer of breast. Last evaluated: 2024-10-08. Review status: criteria provided, single submitter. Criteria: Myriad Autosomal Dominant, Autosomal Recessive and X-Linked Classification Criteria (2023). Collection method: clinical testing. Allele origin: unknown.
Comment: This variant is considered benign. This variant is a silent/synonymous amino acid change and it is not expected to impact splicing.

Labcorp Genetics (formerly Invitae), Labcorp
Classification: Likely benign for Familial cancer of breast. Last evaluated: 2024-05-29. Review status: criteria provided, single submitter. Criteria: Invitae Variant Classification Sherloc (09022015). Collection method: clinical testing. Allele origin: germline.

Ambry Genetics
Classification: Likely benign for Hereditary cancer-predisposing syndrome. Last evaluated: 2016-08-24. Review status: criteria provided, single submitter. Criteria: Ambry Variant Classification Scheme 2023. Collection method: clinical testing. Allele origin: germline.

Color Diagnostics, LLC DBA Color Health
Classification: Likely benign for Hereditary cancer-predisposing syndrome. Last evaluated: 2016-07-18. Review status: criteria provided, single submitter. Criteria: ACMG Guidelines, 2015. Collection method: clinical testing. Allele origin: germline.